The following is an entry in ClinVar:

ClinVar aggregate classification (germline): Uncertain significance (1 of 4 stars; one submission).

Conditions:
Inborn genetic diseases. Identifiers: MedGen C0950123, MeSH D030342.

Submission:

Ambry Genetics
Classification: Uncertain significance for Inborn genetic diseases. Last evaluated: 2024-09-20. Review status: criteria provided, single submitter. Criteria: Ambry Variant Classification Scheme 2023. Collection method: clinical testing. Allele origin: germline.
Comment: The p.G802R variant (also known as c.2404G>C), located in coding exon 17 of the MIB1 gene, results from a G to C substitution at nucleotide position 2404. The glycine at codon 802 is replaced by arginine, an amino acid with dissimilar properties. This amino acid position is conserved. In addition, the in silico prediction for this alteration is inconclusive. Based on the available evidence, the clinical significance of this variant remains unclear.

NM_020774.4(MIB1):c.2404G>C (p.Gly802Arg)

Gene: MIB1 (MIB E3 ubiquitin protein ligase 1; plus strand). Cytogenetic location: 18q11.2.
Variant type: single nucleotide variant.
Coding change: c.2404G>C on transcript NM_020774.4 (MANE Select); coding-DNA position 2404, G replaced by C.
Protein change: p.Gly802Arg; replaces glycine 802 with arginine.
Molecular consequence: missense variant.
Genome position (GRCh38, 1-based): chr18:21,849,206, G>C. VCF-style: chr18-21849206-G-C. GRCh37 (hg19) VCF-style: chr18-19429167-G-C.
Other names: short protein forms G802R.
Identifiers: ClinVar variation 3395769 (VCV003395769.1).